The following is an entry in ClinVar:

NM_000143.4(FH):c.1400dup (p.Ala468fs)

Gene: FH (fumarate hydratase; minus strand). Cytogenetic location: 1q43.
Variant type: Duplication.
Coding change: c.1400dup on transcript NM_000143.4 (MANE Select); coding-DNA position 1400, one base duplicated (A; older notation c.1400dupA).
Protein change: p.Ala468fs; shifts the reading frame from alanine 468.
Molecular consequence: frameshift variant.
Genome position (GRCh38, 1-based): chr1:241,497,961, T duplicated on the plus strand (A on the coding strand, the reverse complement: FH is on the minus strand); the first of 2 consecutive T bases (chr1:241,497,961-241,497,962); duplicating either gives the same sequence. VCF-style (leftmost placement, unchanged base first): chr1-241497960-C-CT. GRCh37 (hg19) VCF-style: chr1-241661260-C-CT.
Other names: c.1400dupA (NM_000143.3); short protein forms A468fs.
Identifiers: ClinVar variation 214406 (VCV000214406.13), dbSNP rs863223993, ClinGen allele CA324743.
Genomic context (GRCh38, chr1:241,497,960, plus strand): 5'-GATAGCAGTTTCCTTTAAGGTTGATCCATTTTTGTGTGCTGTCTTAGCAATCTTTGCTGC[C>CT]TTGTCATACCCTGAAGAAAAAATAAAAAGACGACATATGGGTTAGCAGTGATATTTGGTT-3'

ClinVar aggregate classification (germline): Pathogenic. Review status: criteria provided, multiple submitters, no conflicts (2 of 4 stars). 4 submissions from 4 submitters: Pathogenic (4). Last evaluated 2025-06-18.

Conditions:
Hereditary cancer-predisposing syndrome. Also called: Tumor predisposition; Hereditary Cancer Syndrome; Hereditary neoplastic syndrome; Neoplastic Syndromes, Hereditary. Identifiers: Orphanet 140162, MedGen C0027672, MeSH D009386, MONDO:0015356.
Hereditary leiomyomatosis and renal cell cancer. Also called: LEIOMYOMA, MULTIPLE CUTANEOUS; Reed syndrome; Multiple cutaneous and uterine leiomyomatosis; Cutaneous leiomyomata with uterine leiomyomata; Leiomyoma, hereditary multiple, of skin; Multiple cutaneous and uterine leiomyomata. Identifiers: Orphanet 523, MedGen C1708350, MONDO:0007888, OMIM 150800, HP:0007437. Disease mechanism: loss of function.

Submissions (4):

Labcorp Genetics (formerly Invitae), Labcorp
Classification: Pathogenic. Last evaluated: 2025-06-18. Review status: criteria provided, single submitter. Criteria: Invitae Variant Classification Sherloc (09022015). Collection method: clinical testing. Allele origin: germline.
Comment: This sequence change creates a premature translational stop signal (p.Ala468Glyfs*6) in the FH gene. While this is not anticipated to result in nonsense mediated decay, it is expected to disrupt the last 43 amino acid(s) of the FH protein. This variant is not present in population databases (gnomAD no frequency). This variant has not been reported in the literature in individuals affected with FH-related conditions. ClinVar contains an entry for this variant (Variation ID: 214406). This variant disrupts a region of the FH protein in which other variant(s) (p.Trp500*) have been determined to be pathogenic (PMID: 9635293, 21398687). This suggests that this is a clinically significant region of the protein, and that variants that disrupt it are likely to be disease-causing. For these reasons, this variant has been classified as Pathogenic.

Myriad Genetics, Inc.
Classification: Pathogenic for Hereditary leiomyomatosis and renal cell cancer. Last evaluated: 2025-05-30. Review status: criteria provided, single submitter. Criteria: Myriad Autosomal Dominant, Autosomal Recessive and X-Linked Classification Criteria (2023). Collection method: clinical testing. Allele origin: unknown.
Comment: This variant is considered pathogenic. This variant creates a frameshift predicted to result in premature protein truncation.

Ambry Genetics
Classification: Pathogenic for Hereditary cancer-predisposing syndrome. Last evaluated: 2025-01-17. Review status: criteria provided, single submitter. Criteria: Ambry Variant Classification Scheme 2023. Collection method: clinical testing. Allele origin: germline.
Comment: The c.1400dupA pathogenic mutation, located in coding exon 10 of the FH gene, results from a duplication of A at nucleotide position 1400, causing a translational frameshift with a predicted alternate stop codon (p.A468Gfs*6). This variant is considered to be rare based on population cohorts in the Genome Aggregation Database (gnomAD). This alteration is expected to result in loss of function by premature protein truncation or nonsense-mediated mRNA decay. As such, this alteration is interpreted as a disease-causing mutation.

GeneDx
Classification: Pathogenic. Last evaluated: 2013-12-19. Review status: criteria provided, single submitter. Criteria: GeneDx Variant Classification (06012015). Collection method: clinical testing. Allele origin: germline. Affected: yes.
Comment: The c.1400dupA mutation in the FH gene causes a frameshift starting with codon Alanine 468, changes this amino acid to a Glycine residue and creates a premature Stop codon at position 6 of the new reading frame, denoted p.Ala468GlyfsX6. This mutation is predicted to cause loss of normal protein function through protein truncation. Although this mutation has not been previously reported to our knowledge, the presence of c.1400dupA is consistent with a diagnosis of HLRCC. The variant is found in FH panel(s).

Literature cited by the submitters: PubMed 9635293 (cited by Labcorp Genetics (formerly Invitae), Labcorp); PubMed 21398687 (cited by Labcorp Genetics (formerly Invitae), Labcorp).